The following is an entry in ClinVar:

NM_145207.3(AFG2A):c.1006G>A (p.Glu336Lys)

Gene: AFG2A (AAA ATPase AFG2A; plus strand). Cytogenetic location: 4q28.1.
Variant type: single nucleotide variant.
Coding change: c.1006G>A on transcript NM_145207.3 (MANE Select); coding-DNA position 1006, G replaced by A.
Protein change: p.Glu336Lys; replaces glutamic acid 336 with lysine.
Molecular consequence: missense variant.
Genome position (GRCh38, 1-based): chr4:122,934,597, G>A. VCF-style: chr4-122934597-G-A. GRCh37 (hg19) VCF-style: chr4-123855752-G-A.
Other names: c.1003G>A, p.Glu335Lys (NM_001317799.2, NM_001345856.2); short protein forms E336K, E335K.
Identifiers: ClinVar variation 1047005 (VCV001047005.4), dbSNP rs1728961214, ClinGen allele CA358102939.
Genomic context (GRCh38, chr4:122,934,597, plus strand): 5'-GCAAAGTGCAATACTGATACTTTTTATTTTATTTCTTCAACAACAAGAGTCAATTTTACA[G>A]AGATTGATAAAAATTCAAAAGAGCAAGACAACCAATTCAAAGTAACTTATGACATGATAG-3'
Protein context (NP_660208.2, residues 326-346): ISSTTRVNFT[Glu336Lys]IDKNSKEQDN

ClinVar aggregate classification (germline): Uncertain significance (1 of 4 stars; one submission).

Conditions:
Microcephaly-intellectual disability-sensorineural hearing loss-epilepsy-abnormal muscle tone syndrome (NEDHSB). Also called: NEURODEVELOPMENTAL DISORDER WITH HEARING LOSS, SEIZURES, AND BRAIN ABNORMALITIES. Identifiers: Orphanet 457351, MedGen C4225276, MONDO:0014698, OMIM 616577.

Submission:

Labcorp Genetics (formerly Invitae), Labcorp
Classification: Uncertain significance for Microcephaly-intellectual disability-sensorineural hearing loss-epilepsy-abnormal muscle tone syndrome. Last evaluated: 2023-08-17. Review status: criteria provided, single submitter. Criteria: Invitae Variant Classification Sherloc (09022015). Collection method: clinical testing. Allele origin: germline.
Comment: In summary, the available evidence is currently insufficient to determine the role of this variant in disease. Therefore, it has been classified as a Variant of Uncertain Significance. Advanced modeling of protein sequence and biophysical properties (such as structural, functional, and spatial information, amino acid conservation, physicochemical variation, residue mobility, and thermodynamic stability) performed at Invitae indicates that this missense variant is not expected to disrupt SPATA5 protein function. ClinVar contains an entry for this variant (Variation ID: 1047005). This variant has not been reported in the literature in individuals affected with SPATA5-related conditions. This variant is not present in population databases (gnomAD no frequency). This sequence change replaces glutamic acid, which is acidic and polar, with lysine, which is basic and polar, at codon 336 of the SPATA5 protein (p.Glu336Lys).